The following is an entry in ClinVar:

ClinVar aggregate classification (germline): Uncertain significance. Review status: criteria provided, multiple submitters, no conflicts (2 of 4 stars). 2 submissions from 2 submitters: Uncertain significance (2). Last evaluated 2023-10-14.

Conditions:
COG1 congenital disorder of glycosylation (CDG2G). Also called: CONGENITAL DISORDER OF GLYCOSYLATION, TYPE IIg; CDG IIg; CDGII/COG1 CEREBROCOSTOMANDIBULAR-LIKE SYNDROME. Identifiers: Orphanet 263508, MedGen C2931011, MONDO:0012637, OMIM 611209.
Inborn genetic diseases. Identifiers: MedGen C0950123, MeSH D030342.

Allele frequency attached by ClinVar (database versions not stated): gnomAD 0.00001; ExAC 0.00002; gnomAD exomes 0.00002; TOPMed 0.00002.
gnomAD v4.1: 14 of 1,612,926 alleles (0.00087%); highest among the groups gnomAD compares: Admixed American, 0.0067%; no homozygotes.

Submissions (2):

Ambry Genetics
Classification: Uncertain significance for Inborn genetic diseases. Last evaluated: 2023-10-14. Review status: criteria provided, single submitter. Criteria: Ambry Variant Classification Scheme 2023. Collection method: clinical testing. Allele origin: germline.

Labcorp Genetics (formerly Invitae), Labcorp
Classification: Uncertain significance for COG1 congenital disorder of glycosylation. Last evaluated: 2022-09-07. Review status: criteria provided, single submitter. Criteria: Invitae Variant Classification Sherloc (09022015). Collection method: clinical testing. Allele origin: germline.
Comment: This variant has not been reported in the literature in individuals affected with COG1-related conditions. In summary, the available evidence is currently insufficient to determine the role of this variant in disease. Therefore, it has been classified as a Variant of Uncertain Significance. Algorithms developed to predict the effect of missense changes on protein structure and function are either unavailable or do not agree on the potential impact of this missense change (SIFT: "Deleterious"; PolyPhen-2: "Benign"; Align-GVGD: "Class C0"). ClinVar contains an entry for this variant (Variation ID: 1417690). This variant is present in population databases (rs751977123, gnomAD 0.009%). This sequence change replaces threonine, which is neutral and polar, with methionine, which is neutral and non-polar, at codon 892 of the COG1 protein (p.Thr892Met).

NM_018714.3(COG1):c.2675C>T (p.Thr892Met)

Gene: COG1 (component of oligomeric golgi complex 1; plus strand). Cytogenetic location: 17q25.1.
Variant type: single nucleotide variant.
Coding change: c.2675C>T on transcript NM_018714.3 (MANE Select); coding-DNA position 2675, C replaced by T.
Protein change: p.Thr892Met; replaces threonine 892 with methionine.
Molecular consequence: missense variant.
Genome position (GRCh38, 1-based): chr17:73,206,763, C>T. VCF-style: chr17-73206763-C-T. GRCh37 (hg19) VCF-style: chr17-71202902-C-T.
Other names: c.2675C>T (NM_018714.2); short protein forms T892M.
Identifiers: ClinVar variation 1417690 (VCV001417690.9), dbSNP rs751977123, ClinGen allele CA8740573.
Genomic context (GRCh38, chr17:73,206,763, plus strand): 5'-GCCAGGTTCTGTTTGGATTGGTGACTGGTACAGAGAATCAGCTCGCCCCCCGGAGCAGTA[C>T]GTTCAACTCCCAAGAACCCCATAACATCCTGCCACTGGCATCCAGTCAGATCAGGTAAAG-3'
Protein context (NP_061184.1, residues 882-902): TENQLAPRSS[Thr892Met]FNSQEPHNIL